The following is an entry in ClinVar:

ClinVar aggregate classification (germline): Conflicting classifications of pathogenicity. Review status: criteria provided, conflicting classifications (1 of 4 stars). 2 submissions from 2 submitters: Uncertain significance (1); Benign (1). Last evaluated 2024-10-15.

Conditions:
Landau-Kleffner syndrome (FESD). Also called: APHASIA, ACQUIRED, WITH EPILEPSY; EPILEPSY, FOCAL, WITH SPEECH DISORDER AND WITH OR WITHOUT MENTAL RETARDATION. Identifiers: Orphanet 1945, Orphanet 725, Orphanet 98818, MedGen C0282512, MONDO:0009509, OMIM 245570.

Allele frequency attached by ClinVar (database versions not stated): TOPMed 0.00002; gnomAD 0.00003; gnomAD exomes 0.00002; ExAC 0.00002.
gnomAD v4.1: 103 of 1,608,554 alleles (0.0064%); highest among the groups gnomAD compares: Non-Finnish European, 0.0083%; no homozygotes.

Submissions (2):

Labcorp Genetics (formerly Invitae), Labcorp
Classification: Benign for Landau-Kleffner syndrome. Last evaluated: 2024-10-15. Review status: criteria provided, single submitter. Criteria: Invitae Variant Classification Sherloc (09022015). Collection method: clinical testing. Allele origin: germline.

GeneDx
Classification: Uncertain significance. Last evaluated: 2019-09-23. Review status: criteria provided, single submitter. Criteria: GeneDx Variant Classification Process June 2021. Collection method: clinical testing. Allele origin: germline. Affected: yes.
Comment: Not observed at a significant frequency in large population cohorts (Lek et al., 2016); In silico analysis, which includes protein predictors and evolutionary conservation, supports that this variant does not alter protein structure/function; Has not been previously published as pathogenic or benign to our knowledge

NM_001134407.3(GRIN2A):c.72C>G (p.Ser24Arg)

Gene: GRIN2A (glutamate ionotropic receptor NMDA type subunit 2A; minus strand). Cytogenetic location: 16p13.2.
Variant type: single nucleotide variant.
Coding change: c.72C>G on transcript NM_001134407.3 (MANE Select); coding-DNA position 72, C replaced by G.
Protein change: p.Ser24Arg; replaces serine 24 with arginine.
Molecular consequence: missense variant.
Genome position (GRCh38, 1-based): chr16:10,180,340, G>C on the plus strand (C>G on the coding strand, the complement: GRIN2A is on the minus strand). VCF-style: chr16-10180340-G-C. GRCh37 (hg19) VCF-style: chr16-10274197-G-C.
Other names: c.72C>G, p.Ser24Arg (NM_000833.5, NM_001134408.2); short protein forms S24R.
Identifiers: ClinVar variation 1053271 (VCV001053271.15), dbSNP rs781722466, ClinGen allele CA7897052.